The following is an entry in ClinVar:

NM_000344.4(SMN1):c.835-2A>G

Gene: SMN1 (survival of motor neuron 1, telomeric). Cytogenetic location: 5q13.2.
Variant type: single nucleotide variant.
Coding change: c.835-2A>G on transcript NM_000344.4 (MANE Select); the canonical splice acceptor site of the intron before coding-DNA position 835, A replaced by G.
Molecular consequence: splice acceptor variant. On other transcripts: intron variant (1).
Genome position (GRCh38, 1-based): chr5:70,951,939, A>G. VCF-style: chr5-70951939-A-G. GRCh37 (hg19) VCF-style: chr5-70247766-A-G.
Other names: c.835-500A>G (NM_001297715.1); c.739-2A>G (NM_022874.2).
Identifiers: ClinVar variation 632985 (VCV000632985.4), dbSNP rs141760116, ClinGen allele CA360098076.
Genomic context (GRCh38, chr5:70,951,939, plus strand): 5'-CTATATATAGCTATCTATGTCTATATAGCTATTTTTTTTAACTTCCTTTATTTTCCTTAC[A>G]GGGTTTCAGACAAAATCAAAAAGAAGGAAGGTGCTCACATTCCTTAAATTAAGGAGTAAG-3'

ClinVar aggregate classification (germline): Pathogenic/Likely pathogenic. Review status: criteria provided, multiple submitters, no conflicts (2 of 4 stars). 2 submissions from 2 submitters: Pathogenic (1); Likely pathogenic (1). Last evaluated 2018-02-27.

Conditions:
Spinal muscular atrophy (SMA). Identifiers: MedGen C0026847, MeSH D009134, MONDO:0001516, HP:0007269.
Werdnig-Hoffmann disease (SMA1). Also called: MUSCULAR ATROPHY, INFANTILE; SMA I; SMA, INFANTILE ACUTE FORM; HMN (Hereditary Motor Neuropathy) Proximal Type I. Identifiers: Orphanet 83330, MedGen C5848259, MONDO:0009669, OMIM 253300. Disease mechanism: loss of function.

Submissions (2):

Women's Health and Genetics/Laboratory Corporation of America, LabCorp
Classification: Likely pathogenic for Spinal muscular atrophy. Last evaluated: 2018-02-27. Review status: criteria provided, single submitter. Criteria: LabCorp Variant Classification Summary - May 2015. Collection method: clinical testing. Allele origin: germline.
Comment: Variant summary: SMN1 c.835-2A>G is located in a canonical splice-site and is predicted to affect mRNA splicing resulting in a significantly altered protein due to either exon skipping, shortening, or inclusion of intronic material. Several computational tools predict a significant impact on normal splicing: Five predict the variant abolishes a 3' acceptor site. However, these predictions have yet to be confirmed by functional studies. The variant was absent in 243204 control chromosomes (gnomAD). The c.835-2A>G variant has been reported in the literature in one compound heterozygous individual affected with Spinal Muscular Atrophy (Eggermann_2008). These data do not allow any conclusion about variant significance. To our knowledge, no experimental evidence demonstrating an impact on protein function has been reported. No clinical diagnostic laboratories have submitted clinical-significance assessments for this variant to ClinVar after 2014. Based on the evidence outlined above, the variant was classified as likely pathogenic.

Molecular Diagnostics Lab, Nemours Children's Health, Delaware
Classification: Pathogenic for Werdnig-Hoffmann disease. Last evaluated: 2016-02-26. Review status: criteria provided, single submitter. Criteria: ACMG Guidelines, 2015. Collection method: clinical testing. Allele origin: paternal, unknown. Affected: yes and no. Observed: 2 variant alleles.

Literature cited by the submitters: PubMed 18155522 (cited by Women's Health and Genetics/Laboratory Corporation of America, LabCorp); PubMed 19050931 (cited by Women's Health and Genetics/Laboratory Corporation of America, LabCorp); PubMed 26606804 (cited by Women's Health and Genetics/Laboratory Corporation of America, LabCorp).